The following is an entry in ClinVar:

NM_014956.5(CEP164):c.3133G>C (p.Glu1045Gln)

Gene: CEP164 (centrosomal protein 164; plus strand). Cytogenetic location: 11q23.3.
Variant type: single nucleotide variant.
Coding change: c.3133G>C on transcript NM_014956.5 (MANE Select); coding-DNA position 3133, G replaced by C.
Protein change: p.Glu1045Gln; replaces glutamic acid 1045 with glutamine.
Molecular consequence: missense variant.
Genome position (GRCh38, 1-based): chr11:117,396,097, G>C. VCF-style: chr11-117396097-G-C. GRCh37 (hg19) VCF-style: chr11-117266813-G-C.
Other names: c.3142G>C, p.Glu1048Gln (NM_001271933.2); short protein forms E1048Q, E1045Q.
Identifiers: ClinVar variation 964472 (VCV000964472.11), dbSNP rs752093126, ClinGen allele CA6295350.

ClinVar aggregate classification (germline): Uncertain significance. Review status: criteria provided, multiple submitters, no conflicts (2 of 4 stars). 2 submissions from 2 submitters: Uncertain significance (2). Last evaluated 2024-03-26.

Conditions:
Nephronophthisis 15 (NPHP15). Identifiers: Orphanet 3156, MedGen C3541853, MONDO:0013917, OMIM 614845.

Allele frequency attached by ClinVar (database versions not stated): gnomAD exomes below 0.00001; ExAC 0.00001; gnomAD 0.00001; TOPMed 0.00001.
gnomAD v4.1: 1 of 1,610,650 alleles (0.000062%); highest among the groups gnomAD compares: African/African-American, 0.0013%; no homozygotes.

Submissions (2):

Fulgent Genetics
Classification: Uncertain significance for Nephronophthisis 15. Last evaluated: 2024-03-26. Review status: criteria provided, single submitter. Criteria: ACMG Guidelines, 2015. Collection method: clinical testing. Allele origin: germline.

Labcorp Genetics (formerly Invitae), Labcorp
Classification: Uncertain significance for Nephronophthisis 15. Last evaluated: 2019-10-05. Review status: criteria provided, single submitter. Criteria: Invitae Variant Classification Sherloc (09022015). Collection method: clinical testing. Allele origin: germline.
Comment: In summary, the available evidence is currently insufficient to determine the role of this variant in disease. Therefore, it has been classified as a Variant of Uncertain Significance. Algorithms developed to predict the effect of missense changes on protein structure and function (SIFT, PolyPhen-2, Align-GVGD) all suggest that this variant is likely to be disruptive, but these predictions have not been confirmed by published functional studies and their clinical significance is uncertain. This variant has not been reported in the literature in individuals with CEP164-related conditions. This variant is present in population databases (rs752093126, ExAC 0.01%). This sequence change replaces glutamic acid with glutamine at codon 1045 of the CEP164 protein (p.Glu1045Gln). The glutamic acid residue is highly conserved and there is a small physicochemical difference between glutamic acid and glutamine.